The following is an entry in ClinVar:

NM_000324.3(RHAG):c.1175C>A (p.Ser392Tyr)

Gene: RHAG (Rh associated glycoprotein; minus strand). Cytogenetic location: 6p12.3.
Variant type: single nucleotide variant.
Coding change: c.1175C>A on transcript NM_000324.3 (MANE Select); coding-DNA position 1175, C replaced by A.
Protein change: p.Ser392Tyr; replaces serine 392 with tyrosine.
Molecular consequence: missense variant.
Genome position (GRCh38, 1-based): chr6:49,606,885, G>T on the plus strand (C>A on the coding strand, the complement: RHAG is on the minus strand). VCF-style: chr6-49606885-G-T. GRCh37 (hg19) VCF-style: chr6-49574598-G-T.
Other names: p.Ser392Tyr; short protein forms S392Y.
Identifiers: ClinVar variation 4079871 (VCV004079871.2).

ClinVar aggregate classification (germline): Uncertain significance. Review status: criteria provided, multiple submitters, no conflicts (2 of 4 stars). 2 submissions from 2 submitters: Uncertain significance (2). Last evaluated 2024-11-12.

gnomAD v4.1: 12 of 1,612,140 alleles (0.00074%); highest among the groups gnomAD compares: African/African-American, 0.013%; no homozygotes.

Submissions (2):

Mayo Clinic Laboratories, Mayo Clinic
Classification: Uncertain significance. Last evaluated: 2024-11-12. Review status: criteria provided, single submitter. Criteria: ACMG Guidelines, 2015. Collection method: clinical testing. Allele origin: germline. Observed: 1 variant allele.
Comment: BP4

Revvity Omics, Revvity
Classification: Uncertain significance. Last evaluated: 2023-09-28. Review status: criteria provided, single submitter. Criteria: ACMG Guidelines, 2015. Collection method: clinical testing. Allele origin: germline.